The following is an entry in ClinVar:

NM_004415.4(DSP):c.2204G>A (p.Gly735Asp)

Gene: DSP (desmoplakin; plus strand). Cytogenetic location: 6p24.3.
Variant type: single nucleotide variant.
Coding change: c.2204G>A on transcript NM_004415.4 (MANE Select); coding-DNA position 2204, G replaced by A.
Protein change: p.Gly735Asp; replaces glycine 735 with aspartic acid.
Molecular consequence: missense variant.
Genome position (GRCh38, 1-based): chr6:7,574,159, G>A. VCF-style: chr6-7574159-G-A. GRCh37 (hg19) VCF-style: chr6-7574392-G-A.
Other names: c.2204G>A, p.Gly735Asp (NM_001008844.3, NM_001319034.2); short protein forms G735D.
Identifiers: ClinVar variation 2930486 (VCV002930486.4), dbSNP rs1759154089, ClinGen allele CA362680798.

ClinVar aggregate classification (germline): Uncertain significance. Review status: criteria provided, multiple submitters, no conflicts (2 of 4 stars). 2 submissions from 2 submitters: Uncertain significance (2). Last evaluated 2023-10-20.

Conditions:
Arrhythmogenic cardiomyopathy with wooly hair and keratoderma. Also called: Arrhythmogenic cardiomyopathy with woolly hair and keratoderma; Dilated cardiomyopathy with woolly hair and keratoderma; PALMOPLANTAR KERATODERMA WITH LEFT VENTRICULAR CARDIOMYOPATHY AND WOOLLY HAIR; Carvajal syndrome. Identifiers: Orphanet 65282, MedGen C1854063, MONDO:0011581, OMIM 605676.
Arrhythmogenic right ventricular dysplasia 8 (ARVD8). Also called: Arrhythmogenic Right Ventricular Dysplasia/Cardiomyopathy 8; ARRHYTHMOGENIC RIGHT VENTRICULAR DYSPLASIA, FAMILIAL, 8; ARRHYTHMOGENIC RIGHT VENTRICULAR CARDIOMYOPATHY 8. Identifiers: MedGen C1843896, MONDO:0011831, OMIM 607450.
Cardiovascular phenotype. Identifiers: MedGen CN230736.

gnomAD v4.1: 1 of 1,614,062 alleles (0.000062%); no homozygotes.

Submissions (2):

Ambry Genetics
Classification: Uncertain significance for Cardiovascular phenotype. Last evaluated: 2023-10-20. Review status: criteria provided, single submitter. Criteria: Ambry Variant Classification Scheme 2023. Collection method: clinical testing. Allele origin: germline.
Comment: The p.G735D variant (also known as c.2204G>A), located in coding exon 16 of the DSP gene, results from a G to A substitution at nucleotide position 2204. The glycine at codon 735 is replaced by aspartic acid, an amino acid with similar properties. This amino acid position is highly conserved in available vertebrate species. In addition, the in silico prediction for this alteration is inconclusive. Since supporting evidence is limited at this time, the clinical significance of this alteration remains unclear.

Labcorp Genetics (formerly Invitae), Labcorp
Classification: Uncertain significance for Arrhythmogenic cardiomyopathy with wooly hair and keratoderma; Arrhythmogenic right ventricular dysplasia 8. Last evaluated: 2022-11-20. Review status: criteria provided, single submitter. Criteria: Invitae Variant Classification Sherloc (09022015). Collection method: clinical testing. Allele origin: germline.
Comment: In summary, the available evidence is currently insufficient to determine the role of this variant in disease. Therefore, it has been classified as a Variant of Uncertain Significance. Algorithms developed to predict the effect of missense changes on protein structure and function are either unavailable or do not agree on the potential impact of this missense change (SIFT: "Tolerated"; PolyPhen-2: "Possibly Damaging"; Align-GVGD: "Class C0"). This variant has not been reported in the literature in individuals affected with DSP-related conditions. This variant is not present in population databases (gnomAD no frequency). This sequence change replaces glycine, which is neutral and non-polar, with aspartic acid, which is acidic and polar, at codon 735 of the DSP protein (p.Gly735Asp).